The following is an entry in ClinVar:

ClinVar aggregate classification (germline): Uncertain significance. Review status: criteria provided, multiple submitters, no conflicts (2 of 4 stars). 3 submissions from 3 submitters: Uncertain significance (3). Last evaluated 2024-12-11.

Conditions:
Inborn genetic diseases. Identifiers: MedGen C0950123, MeSH D030342.
Short-rib thoracic dysplasia 10 with or without polydactyly (SRTD10). Identifiers: Orphanet 474, MedGen C3810175, MONDO:0014284, OMIM 615630.
Retinitis pigmentosa 71 (RP71). Identifiers: Orphanet 791, MedGen C4225342, MONDO:0014618, OMIM 616394.

Submissions (3):

Ambry Genetics
Classification: Uncertain significance for Inborn genetic diseases. Last evaluated: 2024-12-11. Review status: criteria provided, single submitter. Criteria: Ambry Variant Classification Scheme 2023. Collection method: clinical testing. Allele origin: germline.

Labcorp Genetics (formerly Invitae), Labcorp
Classification: Uncertain significance for Retinitis pigmentosa 71; Short-rib thoracic dysplasia 10 with or without polydactyly. Last evaluated: 2021-01-19. Review status: criteria provided, single submitter. Criteria: Invitae Variant Classification Sherloc (09022015). Collection method: clinical testing. Allele origin: germline.
Comment: This sequence change replaces aspartic acid with glycine at codon 1197 of the IFT172 protein (p.Asp1197Gly). The aspartic acid residue is moderately conserved and there is a moderate physicochemical difference between aspartic acid and glycine. This variant is present in population databases (rs760796294, ExAC 0.002%). This variant has not been reported in the literature in individuals with IFT172-related conditions. Algorithms developed to predict the effect of missense changes on protein structure and function (SIFT, PolyPhen-2, Align-GVGD) all suggest that this variant is likely to be tolerated, but these predictions have not been confirmed by published functional studies and their clinical significance is uncertain. In summary, the available evidence is currently insufficient to determine the role of this variant in disease. Therefore, it has been classified as a Variant of Uncertain Significance.

Blueprint Genetics
Classification: Uncertain significance. Last evaluated: 2018-09-12. Review status: criteria provided, single submitter. Criteria: ACMG Guidelines, 2015. Collection method: clinical testing. Allele origin: germline.

NM_015662.3(IFT172):c.3590A>G (p.Asp1197Gly)

Genes: IFT172 (intraflagellar transport 172; minus strand), LOC126806173 (BRD4-independent group 4 enhancer GRCh37_chr2:27676057-27677256; plus strand). Cytogenetic location: 2p23.3.
Variant type: single nucleotide variant.
Coding change: c.3590A>G on transcript NM_015662.3 (MANE Select); coding-DNA position 3590, A replaced by G.
Protein change: p.Asp1197Gly; replaces aspartic acid 1197 with glycine.
Molecular consequence: missense variant.
Genome position (GRCh38, 1-based): chr2:27,454,103, T>C on the plus strand (A>G on the coding strand, the complement: IFT172 is on the minus strand). VCF-style: chr2-27454103-T-C. GRCh37 (hg19) VCF-style: chr2-27676970-T-C.
Other names: c.3590A>G (NM_015662.1); short protein forms D1197G.
Identifiers: ClinVar variation 1404373 (VCV001404373.10), dbSNP rs760796294, ClinGen allele CA1579927.